The following is an entry in ClinVar:

NM_000399.5(EGR2):c.1268A>G (p.Gln423Arg)

Gene: EGR2 (early growth response 2; minus strand). Cytogenetic location: 10q21.3.
Variant type: single nucleotide variant.
Coding change: c.1268A>G on transcript NM_000399.5 (MANE Select); coding-DNA position 1268, A replaced by G.
Protein change: p.Gln423Arg; replaces glutamine 423 with arginine.
Molecular consequence: missense variant.
Genome position (GRCh38, 1-based): chr10:62,813,370, T>C on the plus strand (A>G on the coding strand, the complement: EGR2 is on the minus strand). VCF-style: chr10-62813370-T-C. GRCh37 (hg19) VCF-style: chr10-64573130-T-C.
Other names: c.1268A>G, p.Gln423Arg (NM_001136177.3, NM_001136178.2); c.1118A>G, p.Gln373Arg (NM_001136179.3, NM_001321037.2); short protein forms Q423R, Q373R.
Identifiers: ClinVar variation 1042863 (VCV001042863.7), dbSNP rs1842162762, ClinGen allele CA377027218.

ClinVar aggregate classification (germline): Uncertain significance (1 of 4 stars; one submission).

Conditions:
Charcot-Marie-Tooth disease, type I (CMT1). Also called: Charcot-Marie-Tooth, Type 1; Charcot-Marie-Tooth disease type 1. Identifiers: Orphanet 65753, MedGen C0751036, MONDO:0019011.

Submission:

Labcorp Genetics (formerly Invitae), Labcorp
Classification: Uncertain significance for Charcot-Marie-Tooth disease, type I. Last evaluated: 2020-01-30. Review status: criteria provided, single submitter. Criteria: Invitae Variant Classification Sherloc (09022015). Collection method: clinical testing. Allele origin: germline.
Comment: This variant has not been reported in the literature in individuals with EGR2-related conditions. This variant is not present in population databases (ExAC no frequency). This sequence change replaces glutamine with arginine at codon 423 of the EGR2 protein (p.Gln423Arg). The glutamine residue is highly conserved and there is a small physicochemical difference between gluatmine and arginine. Algorithms developed to predict the effect of missense changes on protein structure and function are either unavailable or do not agree on the potential impact of this missense change (SIFT: "Not Available"; PolyPhen-2: "Benign"; Align-GVGD: "Not Available"). In summary, the available evidence is currently insufficient to determine the role of this variant in disease. Therefore, it has been classified as a Variant of Uncertain Significance.